The following is an entry in ClinVar:

ClinVar aggregate classification (germline): Uncertain significance. Review status: criteria provided, multiple submitters, no conflicts (2 of 4 stars). 2 submissions from 2 submitters: Uncertain significance (2). Last evaluated 2025-01-08.

Conditions:
Mucopolysaccharidosis, MPS-IV-A (MPS4A). Also called: Mucopolysaccharidosis type IV A; Mucopolysaccharidosis Type IVA; Morquio syndrome A, mild; MORQUIO SYNDROME A; MPS IVA; mucopolysaccharidosis type 4A. Identifiers: Orphanet 309297, Orphanet 582, MedGen C0086651, MONDO:0009659, OMIM 253000.

Submissions (2):

Women's Health and Genetics/Laboratory Corporation of America, LabCorp
Classification: Uncertain significance. Last evaluated: 2025-01-08. Review status: criteria provided, single submitter. Criteria: LabCorp Variant Classification Summary - May 2015. Collection method: clinical testing. Allele origin: germline.
Comment: Variant summary: GALNS c.134A>G (p.Asp45Gly) results in a non-conservative amino acid change located in the Sulfatase, N-terminal domain (IPR000917) of the encoded protein sequence. Five of five in-silico tools predict a damaging effect of the variant on protein function. The variant was absent in 249468 control chromosomes (gnomAD). c.134A>G has been reported in the literature in at least two individuals affected with Mucopolysaccharidosis Type IVA (Morquio Syndrome A) (Nemetz Bochernitsan_2018, Dos Santos-Lopes_2021). These data indicate that the variant may be associated with disease. To our knowledge, no experimental evidence demonstrating an impact on protein function has been reported. The following publications have been ascertained in the context of this evaluation (PMID: 34076347, DOI: 10.1016/j.mgene.2018.01.008). ClinVar contains an entry for this variant (Variation ID: 1048382). Based on the evidence outlined above, the variant was classified as VUS-possibly pathogenic.

Laboratory of Diagnosis and Therapy of Lysosomal Disorders, University of Padova
Classification: Uncertain significance for Mucopolysaccharidosis, MPS-IV-A. Last evaluated: 2021-02-01. Review status: criteria provided, single submitter. Criteria: ACMG Guidelines, 2015. Collection method: curation. Allele origin: germline. Affected: yes.
Comment: Absent from gnomAD v2.1.1 (PM2_moderate); multiple lines of computational evidence support a deleterious effect on the gene (PP3_supporting)

Literature cited by the submitters: PubMed 34076347 (cited by Women's Health and Genetics/Laboratory Corporation of America, LabCorp); PubMed 34387910 (cited by Laboratory of Diagnosis and Therapy of Lysosomal Disorders, University of Padova).

NM_000512.5(GALNS):c.134A>G (p.Asp45Gly)

Gene: GALNS (galactosamine (N-acetyl)-6-sulfatase; minus strand). Cytogenetic location: 16q24.3.
Variant type: single nucleotide variant.
Coding change: c.134A>G on transcript NM_000512.5 (MANE Select); coding-DNA position 134, A replaced by G.
Protein change: p.Asp45Gly; replaces aspartic acid 45 with glycine.
Molecular consequence: missense variant. On other transcripts: intron variant (1).
Genome position (GRCh38, 1-based): chr16:88,842,816, T>C on the plus strand (A>G on the coding strand, the complement: GALNS is on the minus strand). VCF-style: chr16-88842816-T-C. GRCh37 (hg19) VCF-style: chr16-88909224-T-C.
Other names: c.152A>G, p.Asp51Gly (NM_001323544.2); c.-311-845A>G (NM_001323543.2); short protein forms D45G, D51G.
Identifiers: ClinVar variation 1048382 (VCV001048382.5), dbSNP rs1967040455, ClinGen allele CA397092113.